The following is an entry in ClinVar:

NM_152419.3(HGSNAT):c.154G>A (p.Asp52Asn)

Gene: HGSNAT (heparan-alpha-glucosaminide N-acetyltransferase; plus strand). Cytogenetic location: 8p11.21.
Variant type: single nucleotide variant.
Coding change: c.154G>A on transcript NM_152419.3 (MANE Select); coding-DNA position 154, G replaced by A.
Protein change: p.Asp52Asn; replaces aspartic acid 52 with asparagine.
Molecular consequence: missense variant. On other transcripts: 5 prime UTR variant (1).
Genome position (GRCh38, 1-based): chr8:43,146,983, G>A. VCF-style: chr8-43146983-G-A. GRCh37 (hg19) VCF-style: chr8-43002126-G-A.
Other names: c.154G>A, p.Asp52Asn (NM_001363227.2, NM_001363228.2); c.-680G>A (NM_001363229.2); short protein forms D52N.
Identifiers: ClinVar variation 837077 (VCV000837077.4), dbSNP rs1802738082, ClinGen allele CA371124813.
Genomic context (GRCh38, chr8:43,146,983, plus strand): 5'-TTTAACTTTTCCTAATTTCTACCAGACTTAGACAAAAAAAGACATGCAGAGCTGAAGATG[G>A]ATCAGGCTTTGCTACTCATCCATAATGAACTTCTCTGGACCAACTTGACCGTCTACTGGA-3'
Protein context (NP_689632.2, residues 42-62): DKKRHAELKM[Asp52Asn]QALLLIHNEL

ClinVar aggregate classification (germline): Uncertain significance (1 of 4 stars; one submission).

Conditions:
Retinitis pigmentosa 73 (RP73). Identifiers: Orphanet 791, MedGen C4225287, MONDO:0014687, OMIM 616544.
Mucopolysaccharidosis, MPS-III-C (MPS3C). Also called: SANFILIPPO SYNDROME C; mucopolysaccharidosis type 3C; Mucopolysaccharidosis type IIIC (Sanfilippo C); MPS IIIC (Sanfilippo Syndrome Type C); MUCOPOLYSACCHARIDOSIS, TYPE IIIC; MPS III C. Identifiers: Orphanet 581, Orphanet 79271, MedGen C0086649, MONDO:0009657, OMIM 252930.

Submission:

Labcorp Genetics (formerly Invitae), Labcorp
Classification: Uncertain significance for Retinitis pigmentosa 73; Mucopolysaccharidosis, MPS-III-C. Last evaluated: 2022-07-06. Review status: criteria provided, single submitter. Criteria: Invitae Variant Classification Sherloc (09022015). Collection method: clinical testing. Allele origin: germline.
Comment: This sequence change replaces aspartic acid, which is acidic and polar, with asparagine, which is neutral and polar, at codon 52 of the HGSNAT protein (p.Asp52Asn). This variant is not present in population databases (gnomAD no frequency). This missense change has been observed in individual(s) with retinitis pigmentosa (Invitae). ClinVar contains an entry for this variant (Variation ID: 837077). Advanced modeling of protein sequence and biophysical properties (such as structural, functional, and spatial information, amino acid conservation, physicochemical variation, residue mobility, and thermodynamic stability) performed at Invitae indicates that this missense variant is expected to disrupt HGSNAT protein function. In summary, the available evidence is currently insufficient to determine the role of this variant in disease. Therefore, it has been classified as a Variant of Uncertain Significance.